The following is an entry in ClinVar:

ClinVar aggregate classification (germline): Conflicting classifications of pathogenicity. Review status: criteria provided, conflicting classifications (1 of 4 stars). 3 submissions from 3 submitters: Uncertain significance (2); Benign (1). Last evaluated 2025-08-10.

Conditions:
KMT2D-related disorder. Also called: KMT2D-Related Disorders.
Kabuki syndrome. Also called: NIIKAWA-KUROKI SYNDROME; Kabuki make-up syndrome. Identifiers: Orphanet 2322, MedGen C0796004, MONDO:0016512.

Allele frequency attached by ClinVar (database versions not stated): gnomAD 0.00001; gnomAD exomes 0.00001; TOPMed 0.00002.
gnomAD v4.1: 21 of 1,613,768 alleles (0.0013%); highest among the groups gnomAD compares: South Asian, 0.0033%; no homozygotes.

Submissions (3):

PreventionGenetics, part of Exact Sciences
Classification: Uncertain significance for KMT2D-related condition. Last evaluated: 2025-08-10. Review status: criteria provided, single submitter. Criteria: ACMG Guidelines, 2015. Collection method: clinical testing. Allele origin: germline.
Comment: The KMT2D c.3695C>T variant is predicted to result in the amino acid substitution p.Pro1232Leu. To our knowledge, this variant has not been reported in the literature. This variant is reported in 0.0040% of alleles in individuals of European (Finnish) descent in gnomAD. At this time, the clinical significance of this variant is uncertain due to the absence of conclusive functional and genetic evidence.

Labcorp Genetics (formerly Invitae), Labcorp
Classification: Benign for Kabuki syndrome. Last evaluated: 2025-06-05. Review status: criteria provided, single submitter. Criteria: Invitae Variant Classification Sherloc (09022015). Collection method: clinical testing. Allele origin: germline.

CeGaT Center for Human Genetics Tuebingen
Classification: Uncertain significance. Last evaluated: 2025-02-01. Review status: criteria provided, single submitter. Criteria: CeGaT Center For Human Genetics Tuebingen Variant Classification Criteria Version 2. Collection method: clinical testing. Allele origin: germline. Affected: yes. Observed: 1 variant allele.
Comment: KMT2D: PS2:Moderate

NM_003482.4(KMT2D):c.3695C>T (p.Pro1232Leu)

Genes: KMT2D (lysine methyltransferase 2D; minus strand), LOC126861520 (CDK7 strongly-dependent group 2 enhancer GRCh37_chr12:49442744-49443943; plus strand). Cytogenetic location: 12q13.12.
Variant type: single nucleotide variant.
Coding change: c.3695C>T on transcript NM_003482.4 (MANE Select); coding-DNA position 3695, C replaced by T.
Protein change: p.Pro1232Leu; replaces proline 1232 with leucine.
Molecular consequence: missense variant.
Genome position (GRCh38, 1-based): chr12:49,049,893, G>A on the plus strand (C>T on the coding strand, the complement: KMT2D is on the minus strand). VCF-style: chr12-49049893-G-A. GRCh37 (hg19) VCF-style: chr12-49443676-G-A.
Other names: short protein forms P1232L.
Identifiers: ClinVar variation 2161738 (VCV002161738.18), dbSNP rs1208909878, ClinGen allele CA384655807.